The following is an entry in ClinVar:

NM_001458.5(FLNC):c.4580_4580+12del

Gene: FLNC (filamin C; plus strand). Cytogenetic location: 7q32.1.
Variant type: Deletion.
Coding change: c.4580_4580+12del on transcript NM_001458.5 (MANE Select); coding-DNA position 4580 through 12 bases into the intron after coding-DNA position 4580, 13 bases deleted (GGTGAGGACCAGC).
Molecular consequence: splice donor variant.
Genome position (GRCh38, 1-based): chr7:128,848,068-128,848,080, GGTGAGGACCAGC deleted. VCF-style (leftmost placement, unchanged base first): chr7-128848067-AGGTGAGGACCAGC-A. GRCh37 (hg19) VCF-style: chr7-128488121-AGGTGAGGACCAGC-A.
Other names: c.4580_4580+12del (NM_001127487.2).
Identifiers: ClinVar variation 4812500 (VCV004812500.1).

ClinVar aggregate classification (germline): Likely pathogenic (1 of 4 stars; one submission).

Conditions:
Hypertrophic cardiomyopathy 26. Also called: Cardiomyopathy, familial hypertrophic, 26. Identifiers: Orphanet 75249, MedGen C4310749, MONDO:0014883, OMIM 617047.
Myofibrillar myopathy 5. Also called: Filaminopathy (type); FILAMINOPATHY, AUTOSOMAL DOMINANT. Identifiers: Orphanet 171445, MedGen C1836050, MONDO:0012289, OMIM 609524.
Distal myopathy with posterior leg and anterior hand involvement. Also called: WILLIAMS DISTAL MYOPATHY. Identifiers: Orphanet 63273, MedGen C3279722, MONDO:0013550, OMIM 614065.

Submission:

Labcorp Genetics (formerly Invitae), Labcorp
Classification: Likely pathogenic for Distal myopathy with posterior leg and anterior hand involvement; Myofibrillar myopathy 5; Hypertrophic cardiomyopathy 26. Last evaluated: 2025-08-11. Review status: criteria provided, single submitter. Criteria: Invitae Variant Classification Sherloc (09022015). Collection method: clinical testing. Allele origin: germline.
Comment: This variant results in the deletion of part of exon 26 (c.4580_4580+12del) of the FLNC gene. It is expected to disrupt RNA splicing. Variants that disrupt the donor or acceptor splice site typically lead to a loss of protein function (PMID: 16199547), and loss-of-function variants in FLNC are known to be pathogenic (PMID: 27908349). This variant is not present in population databases (gnomAD no frequency). This variant has not been reported in the literature in individuals affected with FLNC-related conditions. Algorithms developed to predict the effect of sequence changes on RNA splicing suggest that this variant may disrupt the consensus splice site. In summary, the currently available evidence indicates that the variant is pathogenic, but additional data are needed to prove that conclusively. Therefore, this variant has been classified as Likely Pathogenic.

Literature cited by the submitters: PubMed 16199547; PubMed 27908349.